The following is an entry in ClinVar:

NM_003119.4(SPG7):c.*656G>C

Gene: SPG7 (SPG7 matrix AAA peptidase subunit, paraplegin; plus strand). Cytogenetic location: 16q24.3.
Variant type: single nucleotide variant.
Coding change: c.*656G>C on transcript NM_003119.4 (MANE Select); 656 bases downstream of the stop codon, G replaced by C.
Molecular consequence: 3 prime UTR variant.
Genome position (GRCh38, 1-based): chr16:89,557,749, G>C. VCF-style: chr16-89557749-G-C. GRCh37 (hg19) VCF-style: chr16-89624157-G-C.
Other names: c.*822G>C (NM_001363850.1).
Identifiers: ClinVar variation 321301 (VCV000321301.5), dbSNP rs8058221, ClinGen allele CA10644620.

ClinVar aggregate classification (germline): Likely benign (1 of 4 stars; one submission).

Conditions:
Hereditary spastic paraplegia 7 (SPG7). Also called: SPG7-related neurologic disorder; Autosomal recessive spastic paraplegia type 7; SPASTIC PARAPLEGIA 7, AUTOSOMAL RECESSIVE, WITH OR WITHOUT CEREBELLAR ATAXIA; Spastic paraplegia 7; Hereditary spastic paraplegia Paraplegin type. Identifiers: Orphanet 99013, MedGen C1846564, MONDO:0011803, OMIM 607259.

Allele frequency attached by ClinVar (database versions not stated): gnomAD 0.01037 and 0.01109; TOPMed 0.01234; 1000 Genomes Project 0.01278; 1000 Genomes Project 30x 0.01280.

Submission:

Illumina Laboratory Services, Illumina
Classification: Likely benign for Hereditary spastic paraplegia 7. Last evaluated: 2018-01-13. Review status: criteria provided, single submitter. Criteria: ICSL Variant Classification Criteria 13 December 2019. Collection method: clinical testing. Allele origin: germline.
Comment: This variant was observed in the ICSL laboratory as part of a predisposition screen in an ostensibly healthy population. It had not been previously curated by ICSL or reported in the Human Gene Mutation Database (HGMD: prior to June 1st, 2018), and was therefore a candidate for classification through an automated scoring system. Utilizing variant allele frequency, disease prevalence and penetrance estimates, and inheritance mode, an automated score was calculated to assess if this variant is too frequent to cause the disease. Based on the score and internal cut-off values, a variant classified as likely benign is not then subjected to further curation. The score for this variant resulted in a classification of likely benign for this disease.